The following is an entry in ClinVar:

ClinVar aggregate classification (germline): Pathogenic (1 of 4 stars; one submission).

Conditions:
Angelman syndrome-like. Identifiers: MedGen CN128785.
Developmental and epileptic encephalopathy, 2 (DEE2). Also called: INFANTILE SPASM SYNDROME, X-LINKED 2; CDKL5 deficiency disorder. Identifiers: Orphanet 1934, Orphanet 3451, Orphanet 505652, MedGen C4750718, MONDO:0010396, OMIM 300672.

Submission:

Labcorp Genetics (formerly Invitae), Labcorp
Classification: Pathogenic for Developmental and epileptic encephalopathy, 2; Angelman syndrome-like. Last evaluated: 2020-03-23. Review status: criteria provided, single submitter. Criteria: Invitae Variant Classification Sherloc (09022015). Collection method: clinical testing. Allele origin: germline.
Comment: For these reasons, this variant has been classified as Pathogenic. Loss-of-function variants in CDKL5 are known to be pathogenic (PMID: 22872100). This variant has not been reported in the literature in individuals with CDKL5-related conditions. This variant is not present in population databases (ExAC no frequency). This sequence change creates a premature translational stop signal (p.Ser529Glnfs*9) in the CDKL5 gene. It is expected to result in an absent or disrupted protein product.

Literature cited by the submitters: PubMed 22872100.

NM_001323289.2(CDKL5):c.1584dup (p.Ser529fs)

Gene: CDKL5 (cyclin dependent kinase like 5; plus strand). Cytogenetic location: Xp22.13.
Variant type: Duplication.
Coding change: c.1584dup on transcript NM_001323289.2 (MANE Select); coding-DNA position 1584, one base duplicated (C; older notation c.1584dupC).
Protein change: p.Ser529fs; shifts the reading frame from serine 529.
Molecular consequence: frameshift variant.
Genome position (GRCh38, 1-based): chrX:18,604,508, C duplicated; the last of 2 consecutive C bases (chrX:18,604,507-18,604,508); duplicating either gives the same sequence. VCF-style (leftmost placement, unchanged base first): chrX-18604506-A-AC. GRCh37 (hg19) VCF-style: chrX-18622626-A-AC.
Other names: c.1584dup, p.Ser529fs (NM_001037343.2, NM_003159.3); short protein forms S529fs.
Identifiers: ClinVar variation 1072905 (VCV001072905.7), dbSNP rs2147160886, ClinGen allele CA2499226536.